The following is an entry in ClinVar:

ClinVar aggregate classification (germline): Uncertain significance. Review status: criteria provided, multiple submitters, no conflicts (2 of 4 stars). 2 submissions from 2 submitters: Uncertain significance (2). Last evaluated 2024-05-06.

Conditions:
Glycosylphosphatidylinositol biosynthesis defect 16. Also called: MENTAL RETARDATION, AUTOSOMAL RECESSIVE 62. Identifiers: MedGen C4540521, MONDO:0040500, OMIM 617816.

gnomAD v4.1: 33 of 1,614,094 alleles (0.002%); highest among the groups gnomAD compares: Middle Eastern, 0.016%; no homozygotes.

Submissions (2):

Ambry Genetics
Classification: Uncertain significance. Last evaluated: 2024-05-06. Review status: criteria provided, single submitter. Criteria: Ambry Variant Classification Scheme 2023. Collection method: clinical testing. Allele origin: germline.

Dr. Oladnabi Research Group, Golestan University of Medical Sciences
Classification: Uncertain significance for Glycosylphosphatidylinositol biosynthesis defect 16. Review status: criteria provided, single submitter. Criteria: ACMG Guidelines, 2015. Collection method: clinical testing. Allele origin: germline. Inheritance: Autosomal recessive inheritance. Affected: yes. Observed: 1 homozygote.
Comment: The Whole Exome Sequencing (WES) test identified a Variant of Uncertain Significance (VUS) in the PIGC gene, which plays a role in glycosylphosphatidylinositol (GPI) anchor biosynthesis—a process essential for attaching proteins to the cell surface. Gene: PIGC Variant: c.593A>G (p.H198R) Zygosity: Homozygous (both copies of the gene carry the variant) Inheritance: Autosomal Recessive Associated Condition: GPI biosynthesis defect 164 (OMIM 617816) Allele Frequency: Less than 1% Classification: Uncertain significance This variant causes an amino acid substitution at position 198, replacing histidine (H) with arginine (R)—denoted as p.H198R. The clinical impact of this change is currently unknown.

NM_153747.2(PIGC):c.593A>G (p.His198Arg)

Genes: C1orf105 (chromosome 1 open reading frame 105; plus strand), PIGC (phosphatidylinositol glycan anchor biosynthesis class C; minus strand). Cytogenetic location: 1q24.3.
Variant type: single nucleotide variant.
Coding change: c.593A>G on transcript NM_153747.2 (MANE Select); coding-DNA position 593, A replaced by G.
Protein change: p.His198Arg; replaces histidine 198 with arginine.
Molecular consequence: missense variant. On other transcripts: intron variant (1).
Genome position (GRCh38, 1-based): chr1:172,442,030, T>C on the plus strand (A>G on the coding strand, the complement: PIGC is on the minus strand). VCF-style: chr1-172442030-T-C. GRCh37 (hg19) VCF-style: chr1-172411170-T-C.
Other names: c.593A>G, p.His198Arg (NM_002642.4); c.22-3043T>C (NM_139240.4); short protein forms H198R.
Identifiers: ClinVar variation 3306473 (VCV003306473.2).